The following is an entry in ClinVar:

NM_174934.4(SCN4B):c.682G>A (p.Val228Met)

Gene: SCN4B (sodium voltage-gated channel beta subunit 4; minus strand). Cytogenetic location: 11q23.3.
Variant type: single nucleotide variant.
Coding change: c.682G>A on transcript NM_174934.4 (MANE Select); coding-DNA position 682, G replaced by A.
Protein change: p.Val228Met; replaces valine 228 with methionine.
Molecular consequence: missense variant. On other transcripts: non-coding transcript variant (1).
Genome position (GRCh38, 1-based): chr11:118,137,032, C>T on the plus strand (G>A on the coding strand, the complement: SCN4B is on the minus strand). VCF-style: chr11-118137032-C-T. GRCh37 (hg19) VCF-style: chr11-118007747-C-T.
Other names: c.280G>A, p.Val94Met (NM_001142348.2); c.352G>A, p.Val118Met (NM_001142349.2); short protein forms V118M, V228M, V94M.
Identifiers: ClinVar variation 3950952 (VCV003950952.1).
Genomic context (GRCh38, chr11:118,137,032, plus strand): 5'-TCAGTTTCATCATCAGAAAGGGGGCTCCCTGCAGCTGCTCAGCCCGAAGCAGGGCTCACA[C>T]TTTTGAAGGTGGTTTCTCCTCTGCCTTGGAGCCAGGCAAGCCGTTCTCCGTGTTGTCATT-3'
Protein context (NP_777594.1, residues 218-228): SKAEEKPPSK[Val228Met]

ClinVar aggregate classification (germline): Uncertain significance (1 of 4 stars; one submission).

Conditions:
Cardiovascular phenotype. Identifiers: MedGen CN230736.

Submission:

Ambry Genetics
Classification: Uncertain significance for Cardiovascular phenotype. Last evaluated: 2025-03-31. Review status: criteria provided, single submitter. Criteria: Ambry Variant Classification Scheme 2023. Collection method: clinical testing. Allele origin: germline.
Comment: The p.V228M variant (also known as c.682G>A), located in coding exon 5 of the SCN4B gene, results from a G to A substitution at nucleotide position 682. The valine at codon 228 is replaced by methionine, an amino acid with highly similar properties. This amino acid position is conserved. In addition, the in silico prediction for this alteration is inconclusive. Based on the available evidence, the clinical significance of this variant remains unclear.